The following is an entry in ClinVar:

NM_006946.4(SPTBN2):c.6268G>A (p.Glu2090Lys)

Gene: SPTBN2 (spectrin beta, non-erythrocytic 2; minus strand). Cytogenetic location: 11q13.2.
Variant type: single nucleotide variant.
Coding change: c.6268G>A on transcript NM_006946.4 (MANE Select); coding-DNA position 6268, G replaced by A.
Protein change: p.Glu2090Lys; replaces glutamic acid 2090 with lysine.
Molecular consequence: missense variant.
Genome position (GRCh38, 1-based): chr11:66,688,275, C>T on the plus strand (G>A on the coding strand, the complement: SPTBN2 is on the minus strand). VCF-style: chr11-66688275-C-T. GRCh37 (hg19) VCF-style: chr11-66455746-C-T.
Other names: c.6289G>A, p.Glu2097Lys (NM_001411025.1); c.6268G>A (NM_006946.2); short protein forms E2097K, E2090K.
Identifiers: ClinVar variation 3656633 (VCV003656633.3).

ClinVar aggregate classification (germline): Uncertain significance. Review status: criteria provided, multiple submitters, no conflicts (2 of 4 stars). 2 submissions from 2 submitters: Uncertain significance (2). Last evaluated 2025-09-25.

Conditions:
Inborn genetic diseases. Identifiers: MedGen C0950123, MeSH D030342.

gnomAD v4.1: 6 of 1,611,458 alleles (0.00037%); highest among the groups gnomAD compares: Non-Finnish European, 0.00051%; no homozygotes.

Submissions (2):

Ambry Genetics
Classification: Uncertain significance for Inborn genetic diseases. Last evaluated: 2025-09-25. Review status: criteria provided, single submitter. Criteria: Ambry Variant Classification Scheme 2023. Collection method: clinical testing. Allele origin: germline.

Labcorp Genetics (formerly Invitae), Labcorp
Classification: Uncertain significance. Last evaluated: 2024-07-29. Review status: criteria provided, single submitter. Criteria: Invitae Variant Classification Sherloc (09022015). Collection method: clinical testing. Allele origin: germline.
Comment: This sequence change replaces glutamic acid, which is acidic and polar, with lysine, which is basic and polar, at codon 2090 of the SPTBN2 protein (p.Glu2090Lys). This variant is present in population databases (no rsID available, gnomAD 0.0009%). This missense change has been observed in individual(s) with autosomal dominant cerebellar ataxia (Invitae). Advanced modeling of protein sequence and biophysical properties (such as structural, functional, and spatial information, amino acid conservation, physicochemical variation, residue mobility, and thermodynamic stability) performed at Invitae indicates that this missense variant is not expected to disrupt SPTBN2 protein function with a negative predictive value of 95%. In summary, the available evidence is currently insufficient to determine the role of this variant in disease. Therefore, it has been classified as a Variant of Uncertain Significance.